The following is an entry in ClinVar:

NM_001379110.1(SLC9A6):c.516C>T (p.Phe172=)

Gene: SLC9A6 (solute carrier family 9 member A6; plus strand). Cytogenetic location: Xq26.3.
Variant type: single nucleotide variant.
Coding change: c.516C>T on transcript NM_001379110.1 (MANE Select); coding-DNA position 516, C replaced by T.
Protein change: p.Phe172=; no amino-acid change (phenylalanine 172 retained).
Molecular consequence: synonymous variant.
Genome position (GRCh38, 1-based): chrX:135,998,550, C>T. VCF-style: chrX-135998550-C-T. GRCh37 (hg19) VCF-style: chrX-135080709-C-T.
Other names: NM_001379110.1(SLC9A6):c.516C>T; p.Phe172=; c.672C>T, p.Phe224= (NM_001042537.2); c.516C>T, p.Phe172= (NM_001177651.2); c.420C>T, p.Phe140= (NM_001330652.2); c.576C>T, p.Phe192= (NM_006359.3).
Identifiers: ClinVar variation 469637 (VCV000469637.13), dbSNP rs1423014570, ClinGen allele CA518744234.
Genomic context (GRCh38, chrX:135,998,550, plus strand): 5'-TTTTCGAAATCTTGGGTCTATCCTAGCATACGCTTTTCTTGGAACAGCAATTTCTTGTTT[C>T]GTTATTGGGTAAGTATTTTAAGCTTAAAATACTTTGTGGCCTTCAAATTATAATTTTAAA-3'
Protein context (NP_001366039.1, residues 162-182): YAFLGTAISC[Phe172=]VIGSIMYGCV

ClinVar aggregate classification (germline): Likely benign. Review status: reviewed by expert panel (3 of 4 stars). 3 submissions from 3 submitters: Likely benign (1). 2 of the submissions do not count toward it. Last evaluated 2023-10-13.

Conditions:
Christianson syndrome (MRXSCH). Also called: X-linked mental retardation, syndromic, Christianson type; INTELLECTUAL DEVELOPMENTAL DISORDER, X-LINKED, SYNDROMIC, CHRISTIANSON TYPE; SLC9A6-Related Syndromic Mental Retardation. Identifiers: Orphanet 85278, MedGen C2678194, MONDO:0010278, OMIM 300243.

Allele frequency attached by ClinVar (database versions not stated): gnomAD 0.00001 and 0.00002; gnomAD exomes 0.00001.
gnomAD v4.1: 10 of 1,156,956 alleles (0.00086%); highest among the groups gnomAD compares: South Asian, 0.0019%; no homozygotes.

Submissions (3):

ClinGen Rett and Angelman-like Disorders Variant Curation Expert Panel
Classification: Likely benign for Christianson syndrome. Last evaluated: 2023-10-13. Review status: reviewed by expert panel. Criteria: ClinGen RettAS ACMG Specifications SLC9A6 V3.0.0. Collection method: curation. Allele origin: germline. Inheritance: X-linked inheritance.
Comment: The p.Phe192= variant in SLC9A6 (NM_006359.2) is observed in the hemizygous state in at least 3 unaffected individuals (internal database - GeneDx) (BS2). The p.Phe172= variant in SLC9A6 is absent from gnomAD (PM2_Supporting). The silent p.Phe172= variant is not predicted to affect splicing using multiple computational tools and does not affect a highly conserved nucleotide (BP4, BP7). In the absence of other pathogenic evidence beyond PM2_Supporting, and because this variant has been observed in 3 unaffected hemizygous individuals, the ClinGen Rett and Angelman-like Disorders Variant Curation Expert Panel has agreed to overrule the PM2_Supporting criterion and classified the p.Phe192= variant in SLC9A6 as Likely Benign (BS2, BP4, BP7).

Labcorp Genetics (formerly Invitae), Labcorp
Classification: Likely benign for Christianson syndrome. Last evaluated: 2025-06-23. Review status: criteria provided, single submitter. Criteria: Invitae Variant Classification Sherloc (09022015). Collection method: clinical testing. Allele origin: germline. Not counted in ClinVar's aggregate classification.

GeneDx
Classification: Likely benign. Last evaluated: 2017-10-30. Review status: criteria provided, single submitter. Criteria: GeneDx Variant Classification (06012015). Collection method: clinical testing. Allele origin: germline. Affected: yes. Not counted in ClinVar's aggregate classification.
Comment: This variant is considered likely benign or benign based on one or more of the following criteria: it is a conservative change, it occurs at a poorly conserved position in the protein, it is predicted to be benign by multiple in silico algorithms, and/or has population frequency not consistent with disease.